The following is an entry in ClinVar:

NM_012213.3(MLYCD):c.1077A>C (p.Glu359Asp)

Gene: MLYCD (malonyl-CoA decarboxylase; plus strand). Cytogenetic location: 16q23.3.
Variant type: single nucleotide variant.
Coding change: c.1077A>C on transcript NM_012213.3 (MANE Select); coding-DNA position 1077, A replaced by C.
Protein change: p.Glu359Asp; replaces glutamic acid 359 with aspartic acid.
Molecular consequence: missense variant.
Genome position (GRCh38, 1-based): chr16:83,915,084, A>C. VCF-style: chr16-83915084-A-C. GRCh37 (hg19) VCF-style: chr16-83948689-A-C.
Other names: short protein forms E359D.
Identifiers: ClinVar variation 1184301 (VCV001184301.1), dbSNP rs2151060004, ClinGen allele CA396919991.

ClinVar aggregate classification (germline): Uncertain significance (1 of 4 stars; one submission).

Conditions:
Deficiency of malonyl-CoA decarboxylase. Also called: Malonic aciduria; MCD deficiency. Identifiers: Orphanet 943, MedGen C0342793, MONDO:0009556, OMIM 248360.

Submission:

New York Genome Center
Classification: Uncertain significance for Deficiency of malonyl-CoA decarboxylase. Last evaluated: 2020-07-03. Review status: criteria provided, single submitter. Criteria: NYGC Assertion Criteria 2020. Collection method: clinical testing. Allele origin: inherited. Observed: 1 compound heterozygote. Study: CSER-NYCKidSeq.
Comment: The inherited c.1077A>C (p.Glu359Asp) variant identified in the MLYCD gene substitutes a well conserved Glutamic Acid for Aspartic Acid at amino acid 359/494 (exon 5/5). This variant is absent from gnomAD(v3.0) suggesting it is not a common benign variant in the populations represented in that database. In silico algorithms do not agree on the effect of this variant, as it is predicted both Neutral (Provean; score:-2.28) and Damaging (SIFT; score:0.021) to the function of the canonical transcript. This variant is absent from ClinVar and to our current knowledge has not been reported in affected individuals in the literature. The p.Glu359 reside is within the catalytic domain of MLYCD (UniProtKB:O95822). Given the lack of compelling evidence for its pathogenicity, the inherited c.1077A>C (p.Glu359Asp) variant identified in the MLYCD gene is reported as a Variant of Uncertain Significance.